The following is an entry in ClinVar:

NM_000276.4(OCRL):c.1775A>T (p.Asn592Ile)

Gene: OCRL (OCRL inositol polyphosphate-5-phosphatase; plus strand). Cytogenetic location: Xq26.1.
Variant type: single nucleotide variant.
Coding change: c.1775A>T on transcript NM_000276.4 (MANE Select); coding-DNA position 1775, A replaced by T.
Protein change: p.Asn592Ile; replaces asparagine 592 with isoleucine.
Molecular consequence: missense variant.
Genome position (GRCh38, 1-based): chrX:129,575,958, A>T. VCF-style: chrX-129575958-A-T. GRCh37 (hg19) VCF-style: chrX-128709935-A-T.
Other names: c.1778A>T, p.Asn593Ile (NM_001318784.2); c.1775A>T, p.Asn592Ile (NM_001587.4); c.1775A>T (NM_000276.3); short protein forms N592I, N593I.
Identifiers: ClinVar variation 2434487 (VCV002434487.7), dbSNP rs991727453, ClinGen allele CA335707330.

ClinVar aggregate classification (germline): Conflicting classifications of pathogenicity. Review status: criteria provided, conflicting classifications (1 of 4 stars). 3 submissions from 3 submitters: Uncertain significance (2); Likely benign (1). Last evaluated 2026-06-29.

Conditions:
Lowe syndrome (OCRL). Also called: PHOSPHATIDYLINOSITOL 4,5-BISPHOSPHATE 5-PHOSPHATASE DEFICIENCY; Oculocerebrorenal Syndrome; LOWE OCULOCEREBRORENAL SYNDROME. Identifiers: Orphanet 534, MedGen C0028860, MONDO:0010645, OMIM 309000.
Nephrolithiasis/nephrocalcinosis. Identifiers: MedGen CN580796.

Allele frequency attached by ClinVar (database versions not stated): gnomAD exomes 0.00006; gnomAD 0.00001; TOPMed 0.00001.
gnomAD v4.1: 64 of 1,210,436 alleles (0.0053%); highest among the groups gnomAD compares: Non-Finnish European, 0.0069%; no homozygotes.

Submissions (3):

Ambry Genetics
Classification: Uncertain significance for Nephrolithiasis/nephrocalcinosis. Last evaluated: 2026-06-29. Review status: criteria provided, single submitter. Criteria: Ambry Variant Classification Scheme 2023. Collection method: clinical testing. Allele origin: germline.
Comment: The c.1775A>T (p.N592I) alteration is located in exon 17 (coding exon 17) of the OCRL gene. This alteration results from a A to T substitution at nucleotide position 1775, causing the asparagine (N) at amino acid position 592 to be replaced by an isoleucine (I). Based on data from gnomAD, the T allele has an overall frequency of 0.005% (1/21982) total alleles studied. The highest observed frequency was <0.001% (/) of alleles. Based on insufficient or conflicting evidence, the clinical significance of this alteration remains unclear.

Labcorp Genetics (formerly Invitae), Labcorp
Classification: Likely benign for Lowe syndrome. Last evaluated: 2025-11-16. Review status: criteria provided, single submitter. Criteria: Invitae Variant Classification Sherloc (09022015). Collection method: clinical testing. Allele origin: germline.

Revvity Omics, Revvity
Classification: Uncertain significance. Last evaluated: 2021-03-23. Review status: criteria provided, single submitter. Criteria: ACMG Guidelines, 2015. Collection method: clinical testing. Allele origin: germline.